The following is an entry in ClinVar:

ClinVar aggregate classification (germline): Uncertain significance (1 of 4 stars; one submission).

Conditions:
Polycystic kidney disease 4 (PKD4). Also called: POLYCYSTIC KIDNEY AND HEPATIC DISEASE 1; POLYCYSTIC KIDNEY DISEASE, INFANTILE, TYPE I; PKD3; POLYCYSTIC KIDNEY DISEASE 4 WITH OR WITHOUT POLYCYSTIC LIVER DISEASE; Autosomal Recessive Polycystic Kidney Disease – PKHD1. Identifiers: MedGen C4540575, MONDO:0033004, OMIM 263200.

Submission:

Diagnostics Services (NGS), CSIR - Centre For Cellular And Molecular Biology
Classification: Uncertain significance for Polycystic kidney disease 4. Last evaluated: 2024-01-02. Review status: criteria provided, single submitter. Criteria: ACMG Guidelines, 2015. Collection method: clinical testing. Allele origin: germline. Affected: yes. Observed: 1 variant allele, 1 homozygote.
Comment: The c.9974_9976del variant is not present in publicly available population databases like 1000 Genomes, EVS, ExAC, gnomAD, Indian Exome Database or our in-house exome database. This variant has neither been published in literature with PKHD1-related conditions nor reported to any clinical databases like ClinVar, Human Genome Mutation Database (HGMD) or OMIM in any affected individuals. In-silico pathogenicity prediction programs like MutationTaster2, CADD, etc predicted this variant to be likely deleterious, however these predictions were not confirmed by published functional studies. This variant is located in a non-repeat region of the gene and causes in-frame deletion of a single amino acid that changes protein coding length.

NM_138694.4(PKHD1):c.9974_9976del (p.Phe3325del)

Gene: PKHD1 (PKHD1 ciliary IPT domain containing fibrocystin/polyductin; minus strand). Cytogenetic location: 6p12.3.
Variant type: Deletion.
Coding change: c.9974_9976del on transcript NM_138694.4 (MANE Select); coding-DNA positions 9974 to 9976, 3 bases deleted (TCT; older notation c.9974_9976delTCT).
Protein change: p.Phe3325del; deletes phenylalanine 3325.
Genome position (GRCh38, 1-based): chr6:51,746,743-51,746,745, AGA deleted on the plus strand (TCT on the coding strand, the reverse complement: PKHD1 is on the minus strand); deleting any 3 consecutive bases within chr6:51,746,743-51,746,746 gives the same sequence; the c. name uses the placement nearest the transcript's 3' end. VCF-style (leftmost placement, unchanged base first): chr6-51746742-TAGA-T. GRCh37 (hg19) VCF-style: chr6-51611540-TAGA-T.
Other names: c.9974_9976del, p.Phe3325del (NM_170724.3); short protein forms F3325del.
Identifiers: ClinVar variation 2683762 (VCV002683762.1), dbSNP rs2533775540, ClinGen allele CA2697553459.